The following is an entry in ClinVar:

ClinVar aggregate classification (germline): Uncertain significance (1 of 4 stars; one submission).

Conditions:
Achondrogenesis, type IA (ACG1A). Identifiers: Orphanet 932, Orphanet 93299, MedGen C0265273, MONDO:0008701, OMIM 200600.

Allele frequency attached by ClinVar (database versions not stated): gnomAD 0.00001; TOPMed 0.00001.

Submission:

Labcorp Genetics (formerly Invitae), Labcorp
Classification: Uncertain significance for Achondrogenesis, type IA. Last evaluated: 2019-11-14. Review status: criteria provided, single submitter. Criteria: Invitae Variant Classification Sherloc (09022015). Collection method: clinical testing. Allele origin: germline.
Comment: In summary, the available evidence is currently insufficient to determine the role of this variant in disease. Therefore, it has been classified as a Variant of Uncertain Significance. This sequence change replaces serine with glycine at codon 1294 of the TRIP11 protein (p.Ser1294Gly). The serine residue is weakly conserved and there is a small physicochemical difference between serine and glycine. This variant is not present in population databases (ExAC no frequency). This variant has not been reported in the literature in individuals with TRIP11-related conditions. Algorithms developed to predict the effect of missense changes on protein structure and function (SIFT, PolyPhen-2, Align-GVGD) all suggest that this variant is likely to be tolerated, but these predictions have not been confirmed by published functional studies and their clinical significance is uncertain.

NM_004239.4(TRIP11):c.3880A>G (p.Ser1294Gly)

Gene: TRIP11 (thyroid hormone receptor interactor 11; minus strand). Cytogenetic location: 14q32.12.
Variant type: single nucleotide variant.
Coding change: c.3880A>G on transcript NM_004239.4 (MANE Select); coding-DNA position 3880, A replaced by G.
Protein change: p.Ser1294Gly; replaces serine 1294 with glycine.
Molecular consequence: missense variant.
Genome position (GRCh38, 1-based): chr14:92,004,096, T>C on the plus strand (A>G on the coding strand, the complement: TRIP11 is on the minus strand). VCF-style: chr14-92004096-T-C. GRCh37 (hg19) VCF-style: chr14-92470440-T-C.
Other names: c.3877A>G, p.Ser1293Gly (NM_001321851.1); short protein forms S1294G, S1293G.
Identifiers: ClinVar variation 968703 (VCV000968703.8), dbSNP rs781290694, ClinGen allele CA390651213.